The following is an entry in ClinVar:

ClinVar aggregate classification (germline): Uncertain significance. Review status: criteria provided, multiple submitters, no conflicts (2 of 4 stars). 2 submissions from 2 submitters: Uncertain significance (2). Last evaluated 2025-02-04.

Conditions:
Hereditary cancer-predisposing syndrome. Also called: Tumor predisposition; Neoplastic Syndromes, Hereditary; Hereditary neoplastic syndrome; Hereditary Cancer Syndrome. Identifiers: Orphanet 140162, MedGen C0027672, MeSH D009386, MONDO:0015356.
DICER1-related tumor predisposition. Also called: DICER1-related pleuropulmonary blastoma cancer predisposition syndrome; DICER1 syndrome. Identifiers: Orphanet 284343, MedGen C3839822, MONDO:0100216.

Submissions (2):

Labcorp Genetics (formerly Invitae), Labcorp
Classification: Uncertain significance for DICER1-related tumor predisposition. Last evaluated: 2025-02-04. Review status: criteria provided, single submitter. Criteria: Invitae Variant Classification Sherloc (09022015). Collection method: clinical testing. Allele origin: germline.
Comment: This sequence change replaces lysine, which is basic and polar, with arginine, which is basic and polar, at codon 1008 of the DICER1 protein (p.Lys1008Arg). This variant is not present in population databases (gnomAD no frequency). This variant has not been reported in the literature in individuals affected with DICER1-related conditions. ClinVar contains an entry for this variant (Variation ID: 2089441). Invitae Evidence Modeling of protein sequence and biophysical properties (such as structural, functional, and spatial information, amino acid conservation, physicochemical variation, residue mobility, and thermodynamic stability) indicates that this missense variant is not expected to disrupt DICER1 protein function with a negative predictive value of 95%. In summary, the available evidence is currently insufficient to determine the role of this variant in disease. Therefore, it has been classified as a Variant of Uncertain Significance.

Ambry Genetics
Classification: Uncertain significance for Hereditary cancer-predisposing syndrome. Last evaluated: 2023-11-25. Review status: criteria provided, single submitter. Criteria: Ambry Variant Classification Scheme 2023. Collection method: clinical testing. Allele origin: germline.
Comment: The p.K1008R variant (also known as c.3023A>G), located in coding exon 18 of the DICER1 gene, results from an A to G substitution at nucleotide position 3023. The lysine at codon 1008 is replaced by arginine, an amino acid with highly similar properties. This amino acid position is conserved. In addition, this alteration is predicted to be tolerated by in silico analysis. Since supporting evidence is limited at this time, the clinical significance of this alteration remains unclear.

NM_177438.3(DICER1):c.3023A>G (p.Lys1008Arg)

Gene: DICER1 (dicer 1, ribonuclease III; minus strand). Cytogenetic location: 14q32.13.
Variant type: single nucleotide variant.
Coding change: c.3023A>G on transcript NM_177438.3 (MANE Select); coding-DNA position 3023, A replaced by G.
Protein change: p.Lys1008Arg; replaces lysine 1008 with arginine.
Molecular consequence: missense variant. On other transcripts: non-coding transcript variant (6).
Genome position (GRCh38, 1-based): chr14:95,105,748, T>C on the plus strand (A>G on the coding strand, the complement: DICER1 is on the minus strand). VCF-style: chr14-95105748-T-C. GRCh37 (hg19) VCF-style: chr14-95572085-T-C.
Other names: c.3023A>G, p.Lys1008Arg (NM_001195573.1, NM_001271282.3, NM_001291628.2 and 13 more transcripts); c.2741A>G, p.Lys914Arg (NM_001395686.1); c.2618A>G, p.Lys873Arg (NM_001395687.1, NM_001395688.1, NM_001395689.1 and 2 more transcripts); c.2456A>G, p.Lys819Arg (NM_001395691.1); c.1340A>G, p.Lys447Arg (NM_001395697.1); short protein forms K447R, K819R, K873R, K1008R, K914R.
Identifiers: ClinVar variation 2089441 (VCV002089441.5), dbSNP rs2542775115, ClinGen allele CA390878399.